The following is an entry in ClinVar:

NM_006521.6(TFE3):c.1217C>A (p.Ser406Tyr)

Gene: TFE3 (transcription factor binding to IGHM enhancer 3; minus strand). Cytogenetic location: Xp11.23.
Variant type: single nucleotide variant.
Coding change: c.1217C>A on transcript NM_006521.6 (MANE Select); coding-DNA position 1217, C replaced by A.
Protein change: p.Ser406Tyr; replaces serine 406 with tyrosine.
Molecular consequence: missense variant.
Genome position (GRCh38, 1-based): chrX:49,031,464, G>T on the plus strand (C>A on the coding strand, the complement: TFE3 is on the minus strand). VCF-style: chrX-49031464-G-T. GRCh37 (hg19) VCF-style: chrX-48888979-G-T.
Other names: c.902C>A, p.Ser301Tyr (NM_001282142.2); short protein forms S301Y, S406Y.
Identifiers: ClinVar variation 2663387 (VCV002663387.1), dbSNP rs2520139870, ClinGen allele CA412903457.
Genomic context (GRCh38, chrX:49,031,464, plus strand): 5'-CGGAGCTGCAGGCTGCGGTTGGCCTGCTCCAGGGATCGCTGCCGGCTCTCCAGGTCTTTG[G>T]AGCGCTGCTGCTCCTTCTGCAGCTTGCGGATATAATCCACAGAGGCCTTCAGGATGGTGC-3'
Protein context (NP_006512.2, residues 396-416): IRKLQKEQQR[Ser406Tyr]KDLESRQRSL

ClinVar aggregate classification (germline): Uncertain significance (1 of 4 stars; one submission).

Allele frequency attached by ClinVar (database versions not stated): gnomAD exomes below 0.00001.
gnomAD v4.1: 2 of 1,203,989 alleles (0.00017%); highest among the groups gnomAD compares: Non-Finnish European, 0.00022%; no homozygotes.

Submission:

GeneDx
Classification: Uncertain significance. Last evaluated: 2023-04-19. Review status: criteria provided, single submitter. Criteria: GeneDx Variant Classification Process June 2021. Collection method: clinical testing. Allele origin: germline. Affected: yes.
Comment: Not observed at significant frequency in large population cohorts (gnomAD); In silico analysis supports that this missense variant has a deleterious effect on protein structure/function; Has not been previously published as pathogenic or benign to our knowledge